The following is an entry in ClinVar:

NM_014000.3(VCL):c.923A>T (p.Lys308Ile)

Gene: VCL (vinculin; plus strand). Cytogenetic location: 10q22.2.
Variant type: single nucleotide variant.
Coding change: c.923A>T on transcript NM_014000.3 (MANE Select); coding-DNA position 923, A replaced by T.
Protein change: p.Lys308Ile; replaces lysine 308 with isoleucine.
Molecular consequence: missense variant.
Genome position (GRCh38, 1-based): chr10:74,083,414, A>T. VCF-style: chr10-74083414-A-T. GRCh37 (hg19) VCF-style: chr10-75843172-A-T.
Other names: c.923A>T, p.Lys308Ile (NM_003373.4); short protein forms K308I.
Identifiers: ClinVar variation 1766284 (VCV001766284.7), dbSNP rs751189080, ClinGen allele CA5562892.
Genomic context (GRCh38, chr10:74,083,414, plus strand): 5'-TCTTTATTTTAGGGGATGCTGGTGAGCAGGCCATCAGACAGATCTTAGATGAAGCTGGAA[A>T]AGTTGGTGAACTCTGTGCAGGCAAAGAACGCAGGGAGATTCTGGGAACTTGCAAAATGCT-3'
Protein context (NP_054706.1, residues 298-318): AIRQILDEAG[Lys308Ile]VGELCAGKER

ClinVar aggregate classification (germline): Uncertain significance. Review status: criteria provided, multiple submitters, no conflicts (2 of 4 stars). 2 submissions from 2 submitters: Uncertain significance (2). Last evaluated 2025-10-09.

Conditions:
Cardiovascular phenotype. Identifiers: MedGen CN230736.
Dilated cardiomyopathy 1W (CMD1W). Identifiers: Orphanet 154, MedGen C1969639, MONDO:0012667, OMIM 611407.

Allele frequency attached by ClinVar (database versions not stated): ExAC 0.00001; TOPMed 0.00001.

Submissions (2):

Labcorp Genetics (formerly Invitae), Labcorp
Classification: Uncertain significance for Dilated cardiomyopathy 1W. Last evaluated: 2025-10-09. Review status: criteria provided, single submitter. Criteria: Invitae Variant Classification Sherloc (09022015). Collection method: clinical testing. Allele origin: germline.
Comment: This sequence change replaces lysine, which is basic and polar, with isoleucine, which is neutral and non-polar, at codon 308 of the VCL protein (p.Lys308Ile). This variant is not present in population databases (gnomAD no frequency). This variant has not been reported in the literature in individuals affected with VCL-related conditions. ClinVar contains an entry for this variant (Variation ID: 1766284). An algorithm developed to predict the effect of missense changes on protein structure and function (PolyPhen-2) suggests that this variant is likely to be disruptive. In summary, the available evidence is currently insufficient to determine the role of this variant in disease. Therefore, it has been classified as a Variant of Uncertain Significance.

Ambry Genetics
Classification: Uncertain significance for Cardiovascular phenotype. Last evaluated: 2020-09-02. Review status: criteria provided, single submitter. Criteria: Ambry Variant Classification Scheme 2023. Collection method: clinical testing. Allele origin: germline.
Comment: The p.K308I variant (also known as c.923A>T), located in coding exon 8 of the VCL gene, results from an A to T substitution at nucleotide position 923. The lysine at codon 308 is replaced by isoleucine, an amino acid with dissimilar properties. This amino acid position is highly conserved in available vertebrate species. In addition, this alteration is predicted to be deleterious by in silico analysis. Since supporting evidence is limited at this time, the clinical significance of this alteration remains unclear.